The following is an entry in ClinVar:

NM_001277403.2(ZNF730):c.906dup (p.Lys303Ter)

Gene: ZNF730 (zinc finger protein 730; plus strand). Cytogenetic location: 19p12.
Variant type: Duplication.
Coding change: c.906dup on transcript NM_001277403.2 (MANE Select); coding-DNA position 906, one base duplicated (T; older notation c.906dupT).
Protein change: p.Lys303Ter; replaces lysine 303 with a stop codon.
Molecular consequence: nonsense.
Genome position (GRCh38, 1-based): chr19:23,145,950, T duplicated. VCF-style (leftmost placement, unchanged base first): chr19-23145949-A-AT. GRCh37 (hg19) VCF-style: chr19-23328751-A-AT.
Other names: short protein forms K303*.
Identifiers: ClinVar variation 2649660 (VCV002649660.24), dbSNP rs529180941, ClinGen allele CA9347130.

ClinVar aggregate classification (germline): Likely benign (1 of 4 stars; one submission).

Allele frequency attached by ClinVar (database versions not stated): TOPMed 0.00264; gnomAD 0.00289; 1000 Genomes Project 0.00319; 1000 Genomes Project 30x 0.00328; gnomAD exomes 0.00366; ExAC 0.00386.

Submission:

CeGaT Center for Human Genetics Tuebingen
Classification: Likely benign. Last evaluated: 2023-04-01. Review status: criteria provided, single submitter. Criteria: CeGaT Center For Human Genetics Tuebingen Variant Classification Criteria Version 2. Collection method: clinical testing. Allele origin: germline. Affected: yes. Observed: 1 variant allele.
Comment: ZNF730: BS2